The following is an entry in ClinVar:

ClinVar aggregate classification (germline): Uncertain significance (1 of 4 stars; one submission).

gnomAD v4.1: 27 of 1,613,734 alleles (0.0017%); highest among the groups gnomAD compares: Non-Finnish European, 0.0022%; no homozygotes.

Submission:

Labcorp Genetics (formerly Invitae), Labcorp
Classification: Uncertain significance. Last evaluated: 2024-10-03. Review status: criteria provided, single submitter. Criteria: Invitae Variant Classification Sherloc (09022015). Collection method: clinical testing. Allele origin: germline.
Comment: This sequence change falls in intron 4 of the PTH1R gene. It does not directly change the encoded amino acid sequence of the PTH1R protein. It affects a nucleotide within the consensus splice site. This variant is present in population databases (no rsID available, gnomAD 0.003%). This variant has not been reported in the literature in individuals affected with PTH1R-related conditions. Variants that disrupt the consensus splice site are a relatively common cause of aberrant splicing (PMID: 17576681, 9536098). Algorithms developed to predict the effect of sequence changes on RNA splicing suggest that this variant is not likely to affect RNA splicing. In summary, the available evidence is currently insufficient to determine the role of this variant in disease. Therefore, it has been classified as a Variant of Uncertain Significance.

Literature cited by the submitters: PubMed 17576681; PubMed 9536098.

NM_000316.3(PTH1R):c.178+6G>T

Gene: PTH1R (parathyroid hormone 1 receptor; plus strand). Cytogenetic location: 3p21.31.
Variant type: single nucleotide variant.
Coding change: c.178+6G>T on transcript NM_000316.3 (MANE Select); 6 bases into the intron after coding-DNA position 178, G replaced by T.
Molecular consequence: intron variant.
Genome position (GRCh38, 1-based): chr3:46,894,015, G>T. VCF-style: chr3-46894015-G-T. GRCh37 (hg19) VCF-style: chr3-46935505-G-T.
Other names: c.178+6G>T (NM_001184744.1).
Identifiers: ClinVar variation 3704029 (VCV003704029.2).